The following is an entry in ClinVar:

ClinVar aggregate classification (germline): Uncertain significance (1 of 4 stars; one submission).

Conditions:
Multiple endocrine neoplasia type 4. Also called: MULTIPLE ENDOCRINE NEOPLASIA, TYPE IV. Identifiers: Orphanet 276152, MedGen C1970712, MONDO:0012552, OMIM 610755.

Submission:

Labcorp Genetics (formerly Invitae), Labcorp
Classification: Uncertain significance for Multiple endocrine neoplasia type 4. Last evaluated: 2024-01-24. Review status: criteria provided, single submitter. Criteria: Invitae Variant Classification Sherloc (09022015). Collection method: clinical testing. Allele origin: germline.
Comment: This sequence change replaces glycine, which is neutral and non-polar, with arginine, which is basic and polar, at codon 143 of the CDKN1B protein (p.Gly143Arg). Information on the frequency of this variant in the gnomAD database is not available, as this variant may be reported differently in the database. This variant has not been reported in the literature in individuals affected with CDKN1B-related conditions. Experimental studies and prediction algorithms are not available or were not evaluated, and the functional significance of this variant is currently unknown. In summary, the available evidence is currently insufficient to determine the role of this variant in disease. Therefore, it has been classified as a Variant of Uncertain Significance.

NM_004064.5(CDKN1B):c.426_427delinsAA (p.Gly143Arg)

Gene: CDKN1B (cyclin dependent kinase inhibitor 1B; plus strand). Cytogenetic location: 12p13.1.
Variant type: Indel.
Coding change: c.426_427delinsAA on transcript NM_004064.5 (MANE Select); coding-DNA positions 426 to 427, GG replaced by AA.
Protein change: p.Gly143Arg; replaces glycine 143 with arginine.
Molecular consequence: missense variant.
Genome position (GRCh38, 1-based): chr12:12,718,265-12,718,266, GG replaced by AA. VCF-style: chr12-12718265-GG-AA. GRCh37 (hg19) VCF-style: chr12-12871199-GG-AA.
Other names: short protein forms G143R.
Identifiers: ClinVar variation 2710936 (VCV002710936.3), dbSNP rs2497405748, ClinGen allele CA2697559114.